The following is an entry in ClinVar:

NM_001177316.2(SLC34A3):c.1556del (p.Gly519fs)

Gene: SLC34A3 (solute carrier family 34 member 3; plus strand). Cytogenetic location: 9q34.3.
Variant type: Deletion.
Coding change: c.1556del on transcript NM_001177316.2 (MANE Select); coding-DNA position 1556, one base deleted (G; older notation c.1556delG).
Protein change: p.Gly519fs; shifts the reading frame from glycine 519.
Molecular consequence: frameshift variant.
Genome position (GRCh38, 1-based): chr9:137,236,172, G deleted; the last of 5 consecutive G bases (chr9:137,236,168-137,236,172); deleting any one gives the same sequence. VCF-style (leftmost placement, unchanged base first): chr9-137236167-CG-C. GRCh37 (hg19) VCF-style: chr9-140130619-CG-C.
Other names: c.1556del, p.Gly519fs (NM_001177317.2, NM_080877.3); short protein forms G519fs.
Identifiers: ClinVar variation 2007889 (VCV002007889.4), dbSNP rs1554785333, ClinGen allele CA2580081048.

ClinVar aggregate classification (germline): Pathogenic (1 of 4 stars; one submission).

Submission:

Labcorp Genetics (formerly Invitae), Labcorp
Classification: Pathogenic. Last evaluated: 2022-06-18. Review status: criteria provided, single submitter. Criteria: Invitae Variant Classification Sherloc (09022015). Collection method: clinical testing. Allele origin: germline.
Comment: This sequence change creates a premature translational stop signal (p.Gly519Valfs*48) in the SLC34A3 gene. While this is not anticipated to result in nonsense mediated decay, it is expected to disrupt the last 81 amino acid(s) of the SLC34A3 protein. This variant is not present in population databases (gnomAD no frequency). This variant has not been reported in the literature in individuals affected with SLC34A3-related conditions. This variant disrupts a region of the SLC34A3 protein in which other variant(s) (p.Trp541*) have been determined to be pathogenic (PMID: 31440709). This suggests that this is a clinically significant region of the protein, and that variants that disrupt it are likely to be disease-causing. For these reasons, this variant has been classified as Pathogenic.

Literature cited by the submitters: PubMed 31440709.